The following is an entry in ClinVar:

NM_015512.5(DNAH1):c.6919C>T (p.Gln2307Ter)

Gene: DNAH1 (dynein axonemal heavy chain 1; plus strand). Cytogenetic location: 3p21.1.
Variant type: single nucleotide variant.
Coding change: c.6919C>T on transcript NM_015512.5 (MANE Select); coding-DNA position 6919, C replaced by T.
Protein change: p.Gln2307Ter; replaces glutamine 2307 with a stop codon.
Molecular consequence: nonsense.
Genome position (GRCh38, 1-based): chr3:52,372,987, C>T. VCF-style: chr3-52372987-C-T. GRCh37 (hg19) VCF-style: chr3-52407003-C-T.
Other names: short protein forms Q2307*.
Identifiers: ClinVar variation 3382872 (VCV003382872.2).
Genomic context (GRCh38, chr3:52,372,987, plus strand): 5'-CGCAACTTTATCTTCTTCATCGATGACCTGAACATGCCGGCCCTGGAGACCTACGGTGCA[C>T]AGCCACCCATCGAGCTGTTGCGCCAGTGGATGGACCACGGCGGCTGGTACGACCGCAAGA-3'

ClinVar aggregate classification (germline): Uncertain significance (1 of 4 stars; one submission).

Conditions:
Spermatogenic failure 18. Identifiers: MedGen C4539783, MONDO:0054615, OMIM 617576.
Ciliary dyskinesia, primary, 37 (CILD37). Also called: CILIARY DYSKINESIA, PRIMARY, 37, WITH OR WITHOUT SITUS INVERSUS. Identifiers: MedGen C4539798, MONDO:0033204, OMIM 617577.

gnomAD v4.1: 3 of 1,613,776 alleles (0.00019%); highest among the groups gnomAD compares: Non-Finnish European, 0.00025%; no homozygotes.

Submission:

Juno Genomics, Hangzhou Juno Genomics, Inc
Classification: Uncertain significance for Ciliary dyskinesia, primary, 37; Spermatogenic failure 18. Review status: criteria provided, single submitter. Criteria: ACMG Guidelines, 2015. Collection method: clinical testing. Allele origin: germline. Affected: yes.
Comment: Absent from controls (or at extremely low frequency if recessive) in Genome Aggregation Database, Exome Sequencing Project, 1000 Genomes Project, or Exome Aggregation Consortium.;Patient's phenotype or family history is highly specific for a disease with a single genetic etiology.